The following is an entry in ClinVar:

ClinVar aggregate classification (germline): Likely benign. Review status: criteria provided, multiple submitters, no conflicts (2 of 4 stars). 3 submissions from 3 submitters: Likely benign (3). Last evaluated 2025-02-01.

Allele frequency attached by ClinVar (database versions not stated): gnomAD 0.00001; gnomAD exomes 0.00001; TOPMed 0.00001.
gnomAD v4.1: 10 of 1,613,704 alleles (0.00062%); highest among the groups gnomAD compares: Middle Eastern, 0.016%; no homozygotes.

Submissions (3):

CeGaT Center for Human Genetics Tuebingen
Classification: Likely benign. Last evaluated: 2025-02-01. Review status: criteria provided, single submitter. Criteria: CeGaT Center For Human Genetics Tuebingen Variant Classification Criteria Version 2. Collection method: clinical testing. Allele origin: germline. Affected: yes. Observed: 1 variant allele.
Comment: EYS: BP4, BP7

Labcorp Genetics (formerly Invitae), Labcorp
Classification: Likely benign. Last evaluated: 2023-11-25. Review status: criteria provided, single submitter. Criteria: Invitae Variant Classification Sherloc (09022015). Collection method: clinical testing. Allele origin: germline.

Blueprint Genetics
Classification: Likely benign. Last evaluated: 2021-07-20. Review status: criteria provided, single submitter. Criteria: ACMG Guidelines, 2015. Collection method: clinical testing. Allele origin: germline.

NM_001142800.2(EYS):c.663A>T (p.Pro221=)

Gene: EYS (EGF-like photoreceptor maintenance factor; minus strand). Cytogenetic location: 6q12.
Variant type: single nucleotide variant.
Coding change: c.663A>T on transcript NM_001142800.2 (MANE Select); coding-DNA position 663, A replaced by T.
Protein change: p.Pro221=; no amino-acid change (proline 221 retained).
Molecular consequence: synonymous variant.
Genome position (GRCh38, 1-based): chr6:65,494,748, T>A on the plus strand (A>T on the coding strand, the complement: EYS is on the minus strand). VCF-style: chr6-65494748-T-A. GRCh37 (hg19) VCF-style: chr6-66204641-T-A.
Other names: c.663A>T, p.Pro221= (NM_001142801.2, NM_001292009.2, NM_198283.2).
Identifiers: ClinVar variation 1145159 (VCV001145159.23), dbSNP rs1230479706, ClinGen allele CA450863745.